The following is an entry in ClinVar:

ClinVar aggregate classification (germline): Uncertain significance (1 of 4 stars; one submission).

Allele frequency attached by ClinVar (database versions not stated): gnomAD exomes below 0.00001; ExAC 0.00001; gnomAD 0.00001.
gnomAD v4.1: 7 of 1,612,590 alleles (0.00043%); highest among the groups gnomAD compares: African/African-American, 0.0093%; no homozygotes.

Submission:

Labcorp Genetics (formerly Invitae), Labcorp
Classification: Uncertain significance. Last evaluated: 2022-03-04. Review status: criteria provided, single submitter. Criteria: Invitae Variant Classification Sherloc (09022015). Collection method: clinical testing. Allele origin: germline.
Comment: This sequence change replaces glutamic acid, which is acidic and polar, with valine, which is neutral and non-polar, at codon 213 of the OCA2 protein (p.Glu213Val). This variant is present in population databases (rs779096530, gnomAD 0.007%). This variant has not been reported in the literature in individuals affected with OCA2-related conditions. Algorithms developed to predict the effect of missense changes on protein structure and function are either unavailable or do not agree on the potential impact of this missense change (SIFT: "Deleterious"; PolyPhen-2: "Possibly Damaging"; Align-GVGD: "Class C0"). In summary, the available evidence is currently insufficient to determine the role of this variant in disease. Therefore, it has been classified as a Variant of Uncertain Significance.

NM_000275.3(OCA2):c.638A>T (p.Glu213Val)

Gene: OCA2 (OCA2 melanosomal transmembrane protein; minus strand). Cytogenetic location: 15q13.1.
Variant type: single nucleotide variant.
Coding change: c.638A>T on transcript NM_000275.3 (MANE Select); coding-DNA position 638, A replaced by T.
Protein change: p.Glu213Val; replaces glutamic acid 213 with valine.
Molecular consequence: missense variant.
Genome position (GRCh38, 1-based): chr15:28,022,509, T>A on the plus strand (A>T on the coding strand, the complement: OCA2 is on the minus strand). VCF-style: chr15-28022509-T-A. GRCh37 (hg19) VCF-style: chr15-28267655-T-A.
Other names: c.638A>T, p.Glu213Val (NM_001300984.2); short protein forms E213V.
Identifiers: ClinVar variation 1914232 (VCV001914232.2), dbSNP rs779096530, ClinGen allele CA7439404.